The following is an entry in ClinVar:

NM_001379081.2(FREM1):c.3732C>A (p.Ser1244Arg)

Gene: FREM1 (FRAS1 related extracellular matrix 1; minus strand). Cytogenetic location: 9p22.3.
Variant type: single nucleotide variant.
Coding change: c.3732C>A on transcript NM_001379081.2 (MANE Select); coding-DNA position 3732, C replaced by A.
Protein change: p.Ser1244Arg; replaces serine 1244 with arginine.
Molecular consequence: missense variant. On other transcripts: non-coding transcript variant (2).
Genome position (GRCh38, 1-based): chr9:14,797,605, G>T on the plus strand (C>A on the coding strand, the complement: FREM1 is on the minus strand). VCF-style: chr9-14797605-G-T. GRCh37 (hg19) VCF-style: chr9-14797603-G-T.
Other names: c.3732C>A, p.Ser1244Arg (NM_144966.7); short protein forms S1244R.
Identifiers: ClinVar variation 2122077 (VCV002122077.4), dbSNP rs2540403059, ClinGen allele CA372967437.

ClinVar aggregate classification (germline): Uncertain significance (1 of 4 stars; one submission).

gnomAD v4.1: 2 of 1,611,582 alleles (0.00012%); highest among the groups gnomAD compares: Non-Finnish European, 0.000085%; no homozygotes.

Submission:

Labcorp Genetics (formerly Invitae), Labcorp
Classification: Uncertain significance. Last evaluated: 2022-06-01. Review status: criteria provided, single submitter. Criteria: Invitae Variant Classification Sherloc (09022015). Collection method: clinical testing. Allele origin: germline.
Comment: In summary, the available evidence is currently insufficient to determine the role of this variant in disease. Therefore, it has been classified as a Variant of Uncertain Significance. Algorithms developed to predict the effect of missense changes on protein structure and function are either unavailable or do not agree on the potential impact of this missense change (SIFT: "Deleterious"; PolyPhen-2: "Possibly Damaging"; Align-GVGD: "Class C0"). This variant has not been reported in the literature in individuals affected with FREM1-related conditions. This variant is not present in population databases (gnomAD no frequency). This sequence change replaces serine, which is neutral and polar, with arginine, which is basic and polar, at codon 1244 of the FREM1 protein (p.Ser1244Arg).